The following is an entry in ClinVar:

NM_014336.5(AIPL1):c.1136G>C (p.Gly379Ala)

Gene: AIPL1 (AIP like 1 HSP90 co-chaperone; minus strand). Cytogenetic location: 17p13.2.
Variant type: single nucleotide variant.
Coding change: c.1136G>C on transcript NM_014336.5 (MANE Select); coding-DNA position 1136, G replaced by C.
Protein change: p.Gly379Ala; replaces glycine 379 with alanine.
Molecular consequence: missense variant. On other transcripts: 3 prime UTR variant (1).
Genome position (GRCh38, 1-based): chr17:6,425,479, C>G on the plus strand (G>C on the coding strand, the complement: AIPL1 is on the minus strand). VCF-style: chr17-6425479-C-G. GRCh37 (hg19) VCF-style: chr17-6328799-C-G.
Other names: c.947G>C, p.Gly316Ala (NM_001033054.3); c.956G>C, p.Gly319Ala (NM_001033055.3); c.1100G>C, p.Gly367Ala (NM_001285399.3); c.1070G>C, p.Gly357Ala (NM_001285400.3); c.1064G>C, p.Gly355Ala (NM_001285401.3); c.1019G>C, p.Gly340Ala (NM_001285402.2); c.*1107G>C (NM_001285403.4); short protein forms G357A, G379A, G340A, G355A, G367A, G316A, G319A.
Identifiers: ClinVar variation 1349033 (VCV001349033.8), dbSNP rs1911819341, ClinGen allele CA397394195.

ClinVar aggregate classification (germline): Uncertain significance (1 of 4 stars; one submission).

Conditions:
Leber congenital amaurosis 4 (LCA4). Identifiers: MedGen C1858386, MONDO:0011458, OMIM 604393.

Allele frequency attached by ClinVar (database versions not stated): gnomAD exomes below 0.00001; TOPMed below 0.00001.
gnomAD v4.1: 2 of 1,601,948 alleles (0.00012%); highest among the groups gnomAD compares: Non-Finnish European, 0.00017%; no homozygotes.

Submission:

Labcorp Genetics (formerly Invitae), Labcorp
Classification: Uncertain significance for Leber congenital amaurosis 4. Last evaluated: 2021-06-06. Review status: criteria provided, single submitter. Criteria: Invitae Variant Classification Sherloc (09022015). Collection method: clinical testing. Allele origin: germline.
Comment: This variant is not present in population databases (ExAC no frequency). This variant has not been reported in the literature in individuals with AIPL1-related conditions. Algorithms developed to predict the effect of missense changes on protein structure and function are either unavailable or do not agree on the potential impact of this missense change (SIFT: "Tolerated"; PolyPhen-2: "Not Available"; Align-GVGD: "Class C0"). In summary, the available evidence is currently insufficient to determine the role of this variant in disease. Therefore, it has been classified as a Variant of Uncertain Significance. This sequence change replaces glycine with alanine at codon 379 of the AIPL1 protein (p.Gly379Ala). The glycine residue is weakly conserved and there is a small physicochemical difference between glycine and alanine.